The following is an entry in ClinVar:

NM_002382.5(MAX):c.422G>C (p.Ser141Thr)

Gene: MAX (MYC associated transcriptional regulator X; minus strand). Cytogenetic location: 14q23.3.
Variant type: single nucleotide variant.
Coding change: c.422G>C on transcript NM_002382.5 (MANE Select); coding-DNA position 422, G replaced by C.
Protein change: p.Ser141Thr; replaces serine 141 with threonine.
Molecular consequence: missense variant. On other transcripts: 3 prime UTR variant (1), intron variant (2).
Genome position (GRCh38, 1-based): chr14:65,076,537, C>G on the plus strand (G>C on the coding strand, the complement: MAX is on the minus strand). VCF-style: chr14-65076537-C-G. GRCh37 (hg19) VCF-style: chr14-65543255-C-G.
Other names: c.233G>C, p.Ser78Thr (NM_001320415.2, NM_001407105.1, NM_001407106.1 and 1 more transcripts); c.422G>C, p.Ser141Thr (NM_001407094.1); c.395G>C, p.Ser132Thr (NM_001407095.1, NM_145112.3); c.*195G>C (NM_001407096.1, NM_001407099.1, NM_001407102.1 and 2 more transcripts); c.*211G>C (NM_001407097.1, NM_001407100.1, NM_001407101.1 and 4 more transcripts); c.314G>C, p.Ser105Thr (NM_001407098.1); c.221G>C, p.Ser74Thr (NM_001407111.1, NM_001407112.1); c.144+17171G>C (NM_001271069.2); and 1 more; short protein forms S132T, S141T, S78T, S74T, S105T.
Identifiers: ClinVar variation 948950 (VCV000948950.11), dbSNP rs1159227189, ClinGen allele CA390031425.

ClinVar aggregate classification (germline): Uncertain significance. Review status: criteria provided, multiple submitters, no conflicts (2 of 4 stars). 3 submissions from 3 submitters: Uncertain significance (3). Last evaluated 2025-11-04.

Conditions:
Hereditary cancer-predisposing syndrome. Also called: Hereditary neoplastic syndrome; Hereditary Cancer Syndrome; Tumor predisposition; Neoplastic Syndromes, Hereditary. Identifiers: Orphanet 140162, MedGen C0027672, MeSH D009386, MONDO:0015356.
Hereditary pheochromocytoma and paraganglioma. Also called: Hereditary pheochromocytoma-paraganglioma; Hereditary Paraganglioma-Pheochromocytoma Syndromes; Hereditary paragangliomas and pheochromocytomas. Identifiers: Orphanet 29072, MedGen C4274332, MONDO:0017366.

Allele frequency attached by ClinVar (database versions not stated): gnomAD exomes below 0.00001 and 0.00001.
gnomAD v4.1: 3 of 1,614,102 alleles (0.00019%); highest among the groups gnomAD compares: African/African-American, 0.0027%; no homozygotes.

Submissions (3):

Labcorp Genetics (formerly Invitae), Labcorp
Classification: Uncertain significance for Hereditary pheochromocytoma and paraganglioma. Last evaluated: 2025-11-04. Review status: criteria provided, single submitter. Criteria: Invitae Variant Classification Sherloc (09022015). Collection method: clinical testing. Allele origin: germline.
Comment: This sequence change replaces serine, which is neutral and polar, with threonine, which is neutral and polar, at codon 141 of the MAX protein (p.Ser141Thr). This variant is present in population databases (no rsID available, gnomAD 0.007%). This variant has not been reported in the literature in individuals affected with MAX-related conditions. ClinVar contains an entry for this variant (Variation ID: 948950). Invitae Evidence Modeling incorporating data from in vitro experimental studies (internal data) indicates that this missense variant is not expected to disrupt MAX function with a negative predictive value of 95%. In summary, the available evidence is currently insufficient to determine the role of this variant in disease. Therefore, it has been classified as a Variant of Uncertain Significance.

GeneDx
Classification: Uncertain significance. Last evaluated: 2025-07-12. Review status: criteria provided, single submitter. Criteria: GeneDx Variant Classification Process June 2021. Collection method: clinical testing. Allele origin: germline. Affected: yes.
Comment: Not observed at significant frequency in large population cohorts (gnomAD); In silico analysis supports that this missense variant has a deleterious effect on protein structure/function; Has not been previously published as pathogenic or benign to our knowledge

Ambry Genetics
Classification: Uncertain significance for Hereditary cancer-predisposing syndrome. Last evaluated: 2023-08-01. Review status: criteria provided, single submitter. Criteria: Ambry Variant Classification Scheme 2023. Collection method: clinical testing. Allele origin: germline.
Comment: The p.S141T variant (also known as c.422G>C), located in coding exon 5 of the MAX gene, results from a G to C substitution at nucleotide position 422. The serine at codon 141 is replaced by threonine, an amino acid with similar properties. This amino acid position is conserved. In addition, this alteration is predicted to be tolerated by in silico analysis. Since supporting evidence is limited at this time, the clinical significance of this alteration remains unclear.